The following is an entry in ClinVar:

ClinVar aggregate classification (germline): Uncertain significance (1 of 4 stars; one submission).

Conditions:
Inborn genetic diseases. Identifiers: MedGen C0950123, MeSH D030342.

Submission:

Ambry Genetics
Classification: Uncertain significance for Inborn genetic diseases. Last evaluated: 2021-07-03. Review status: criteria provided, single submitter. Criteria: Ambry Variant Classification Scheme 2023. Collection method: clinical testing. Allele origin: germline.
Comment: The p.C823Y variant (also known as c.2468G>A), located in coding exon 19 of the BUB1B gene, results from a G to A substitution at nucleotide position 2468. The cysteine at codon 823 is replaced by tyrosine, an amino acid with highly dissimilar properties. This amino acid position is conserved. In addition, the in silico prediction for this alteration is inconclusive. Since supporting evidence is limited at this time, the clinical significance of this alteration remains unclear.

NM_001211.6(BUB1B):c.2468G>A (p.Cys823Tyr)

Gene: BUB1B (BUB1 mitotic checkpoint serine/threonine kinase B; plus strand). Cytogenetic location: 15q15.1.
Variant type: single nucleotide variant.
Coding change: c.2468G>A on transcript NM_001211.6 (MANE Select); coding-DNA position 2468, G replaced by A.
Protein change: p.Cys823Tyr; replaces cysteine 823 with tyrosine.
Molecular consequence: missense variant.
Genome position (GRCh38, 1-based): chr15:40,212,581, G>A. VCF-style: chr15-40212581-G-A. GRCh37 (hg19) VCF-style: chr15-40504782-G-A.
Other names: short protein forms C823Y.
Identifiers: ClinVar variation 1791720 (VCV001791720.2), dbSNP rs2140907754, ClinGen allele CA391695327.